The following is an entry in ClinVar:

NM_005188.4(CBL):c.2502A>T (p.Glu834Asp)

Gene: CBL (Cbl proto-oncogene; plus strand). Cytogenetic location: 11q23.3.
Variant type: single nucleotide variant.
Coding change: c.2502A>T on transcript NM_005188.4 (MANE Select); coding-DNA position 2502, A replaced by T.
Protein change: p.Glu834Asp; replaces glutamic acid 834 with aspartic acid.
Molecular consequence: missense variant.
Genome position (GRCh38, 1-based): chr11:119,299,562, A>T. VCF-style: chr11-119299562-A-T. GRCh37 (hg19) VCF-style: chr11-119170272-A-T.
Other names: c.2502A>T (NM_005188.2); short protein forms E834D.
Identifiers: ClinVar variation 1347603 (VCV001347603.11), dbSNP rs1950085952, ClinGen allele CA382932270.
Genomic context (GRCh38, chr11:119,299,562, plus strand): 5'-TGAAGGTTCCCAAGTTCCCGAGAGGCCTCCAAAACCATTCCCGCGGAGAATCAACTCTGA[A>T]CGGAAAGCTGGCAGCTGTCAGCAAGGTAGTGGTCCTGCCGCCTCTGCTGCCACCGCCTCA-3'
Protein context (NP_005179.2, residues 824-844): PKPFPRRINS[Glu834Asp]RKAGSCQQGS

ClinVar aggregate classification (germline): Uncertain significance. Review status: criteria provided, multiple submitters, no conflicts (2 of 4 stars). 4 submissions from 4 submitters: Uncertain significance (4). Last evaluated 2025-07-23.

Conditions:
Cardiovascular phenotype. Identifiers: MedGen CN230736.
CBL-related disorder. Also called: NOONAN SYNDROME-LIKE DISORDER WITHOUT JUVENILE MYELOMONOCYTIC LEUKEMIA; CBL MUTATION-ASSOCIATED SYNDROME; CBL SYNDROME. Identifiers: Orphanet 363972, MedGen C3150803, MONDO:0013308, OMIM 613563.
Juvenile myelomonocytic leukemia (JMML). Also called: LEUKEMIA, JUVENILE MYELOMONOCYTIC, SOMATIC. Identifiers: Orphanet 86834, MedGen C0349639, MONDO:0011908, OMIM 607785, HP:0012209.
RASopathy. Also called: rasopathies; Noonan spectrum disorder. Identifiers: Orphanet 536391, MedGen C5555857, MONDO:0021060.

Allele frequency attached by ClinVar (database versions not stated): TOPMed below 0.00001.
gnomAD v4.1: 1 of 1,614,112 alleles (0.000062%); no homozygotes.

Submissions (4):

Labcorp Genetics (formerly Invitae), Labcorp
Classification: Uncertain significance for RASopathy. Last evaluated: 2025-07-23. Review status: criteria provided, single submitter. Criteria: Invitae Variant Classification Sherloc (09022015). Collection method: clinical testing. Allele origin: germline.
Comment: This sequence change replaces glutamic acid, which is acidic and polar, with aspartic acid, which is acidic and polar, at codon 834 of the CBL protein (p.Glu834Asp). This variant is not present in population databases (gnomAD no frequency). This variant has not been reported in the literature in individuals affected with CBL-related conditions. ClinVar contains an entry for this variant (Variation ID: 1347603). Invitae Evidence Modeling of protein sequence and biophysical properties (such as structural, functional, and spatial information, amino acid conservation, physicochemical variation, residue mobility, and thermodynamic stability) indicates that this missense variant is not expected to disrupt CBL protein function with a negative predictive value of 95%. In summary, the available evidence is currently insufficient to determine the role of this variant in disease. Therefore, it has been classified as a Variant of Uncertain Significance.

Ambry Genetics
Classification: Uncertain significance for Cardiovascular phenotype. Last evaluated: 2024-01-29. Review status: criteria provided, single submitter. Criteria: Ambry Variant Classification Scheme 2023. Collection method: clinical testing. Allele origin: germline.
Comment: The p.E834D variant (also known as c.2502A>T), located in coding exon 16 of the CBL gene, results from an A to T substitution at nucleotide position 2502. The glutamic acid at codon 834 is replaced by aspartic acid, an amino acid with highly similar properties. This amino acid position is conserved. In addition, the in silico prediction for this alteration is inconclusive. Based on the available evidence, the clinical significance of this alteration remains unclear.

Blueprint Genetics
Classification: Uncertain significance. Last evaluated: 2022-07-13. Review status: criteria provided, single submitter. Criteria: ACMG Guidelines, 2015. Collection method: clinical testing. Allele origin: germline.

Fulgent Genetics
Classification: Uncertain significance for Juvenile myelomonocytic leukemia; CBL-related disorder. Last evaluated: 2021-08-11. Review status: criteria provided, single submitter. Criteria: ACMG Guidelines, 2015. Collection method: clinical testing. Allele origin: unknown.